The following is an entry in ClinVar:

ClinVar aggregate classification (germline): Uncertain significance (1 of 4 stars; one submission).

Allele frequency attached by ClinVar (database versions not stated): TOPMed below 0.00001.
gnomAD v4.1: 3 of 1,613,856 alleles (0.00019%); no homozygotes.

Submission:

Ambry Genetics
Classification: Uncertain significance. Last evaluated: 2023-02-16. Review status: criteria provided, single submitter. Criteria: Ambry Variant Classification Scheme 2023. Collection method: clinical testing. Allele origin: germline.
Comment: The p.F864L variant (also known as c.2590T>C), located in coding exon 4 of the ALPK2 gene, results from a T to C substitution at nucleotide position 2590. The phenylalanine at codon 864 is replaced by leucine, an amino acid with highly similar properties. This amino acid position is conserved. In addition, this alteration is predicted to be tolerated by in silico analysis. Since supporting evidence is limited at this time, the clinical significance of this alteration remains unclear.

NM_052947.4(ALPK2):c.2590T>C (p.Phe864Leu)

Gene: ALPK2 (alpha kinase 2; minus strand). Cytogenetic location: 18q21.31.
Variant type: single nucleotide variant.
Coding change: c.2590T>C on transcript NM_052947.4 (MANE Select); coding-DNA position 2590, T replaced by C.
Protein change: p.Phe864Leu; replaces phenylalanine 864 with leucine.
Molecular consequence: missense variant.
Genome position (GRCh38, 1-based): chr18:58,537,597, A>G on the plus strand (T>C on the coding strand, the complement: ALPK2 is on the minus strand). VCF-style: chr18-58537597-A-G. GRCh37 (hg19) VCF-style: chr18-56204829-A-G.
Other names: short protein forms F864L.
Identifiers: ClinVar variation 2497276 (VCV002497276.2), dbSNP rs2051659823, ClinGen allele CA402570204.